The following is an entry in ClinVar:

ClinVar aggregate classification (germline): Conflicting classifications of pathogenicity. Review status: criteria provided, conflicting classifications (1 of 4 stars). 4 submissions from 4 submitters: Uncertain significance (1); Likely benign (3). Last evaluated 2026-06-03.

Conditions:
CNGB1-related disorder. Also called: CNGB1-related condition.
Retinitis pigmentosa (RP). Identifiers: Orphanet 791, MedGen C0035334, MeSH D012174, MONDO:0019200, OMIM 268000. Inheritance: Autosomal dominant, autosomal recessive and X linked inheritance.

Allele frequency attached by ClinVar (database versions not stated): TOPMed 0.00004.
gnomAD v4.1: 50 of 1,614,034 alleles (0.0031%); highest among the groups gnomAD compares: Admixed American, 0.0017%; no homozygotes.

Submissions (4):

PreventionGenetics, part of Exact Sciences
Classification: Likely benign for CNGB1-related condition. Last evaluated: 2026-06-03. Review status: criteria provided, single submitter. Criteria: ACMG Guidelines, 2015. Collection method: clinical testing. Allele origin: germline.
Comment: This variant is classified as likely benign based on ACMG/AMP sequence variant interpretation guidelines (Richards et al. 2015 PMID: 25741868, with internal and published modifications).

Labcorp Genetics (formerly Invitae), Labcorp
Classification: Likely benign. Last evaluated: 2025-12-23. Review status: criteria provided, single submitter. Criteria: Invitae Variant Classification Sherloc (09022015). Collection method: clinical testing. Allele origin: germline.

Blueprint Genetics
Classification: Likely benign. Last evaluated: 2022-11-18. Review status: criteria provided, single submitter. Criteria: ACMG Guidelines, 2015. Collection method: clinical testing. Allele origin: germline.

Illumina Laboratory Services, Illumina
Classification: Uncertain significance for Retinitis pigmentosa. Last evaluated: 2018-01-12. Review status: criteria provided, single submitter. Criteria: ICSL Variant Classification Criteria 13 December 2019. Collection method: clinical testing. Allele origin: germline.

NM_001297.5(CNGB1):c.1500C>G (p.Thr500=)

Gene: CNGB1 (cyclic nucleotide gated channel subunit beta 1; minus strand). Cytogenetic location: 16q21.
Variant type: single nucleotide variant.
Coding change: c.1500C>G on transcript NM_001297.5 (MANE Select); coding-DNA position 1500, C replaced by G.
Protein change: p.Thr500=; no amino-acid change (threonine 500 retained).
Molecular consequence: synonymous variant.
Genome position (GRCh38, 1-based): chr16:57,931,751, G>C on the plus strand (C>G on the coding strand, the complement: CNGB1 is on the minus strand). VCF-style: chr16-57931751-G-C. GRCh37 (hg19) VCF-style: chr16-57965655-G-C.
Other names: c.1482C>G, p.Thr494= (NM_001286130.2).
Identifiers: ClinVar variation 320093 (VCV000320093.17), dbSNP rs75406397, ClinGen allele CA8083414.